The following is an entry in ClinVar:

ClinVar aggregate classification (germline): Uncertain significance (1 of 4 stars; one submission).

Conditions:
Cardiovascular phenotype. Identifiers: MedGen CN230736.

Submission:

Ambry Genetics
Classification: Uncertain significance for Cardiovascular phenotype. Last evaluated: 2024-04-09. Review status: criteria provided, single submitter. Criteria: Ambry Variant Classification Scheme 2023. Collection method: clinical testing. Allele origin: germline.
Comment: The p.Y646H variant (also known as c.1936T>C), located in coding exon 13 of the DSC2 gene, results from a T to C substitution at nucleotide position 1936. The tyrosine at codon 646 is replaced by histidine, an amino acid with similar properties. This amino acid position is conserved. In addition, this alteration is predicted to be deleterious by in silico analysis. Based on the available evidence, the clinical significance of this variant remains unclear.

NM_024422.6(DSC2):c.1936T>C (p.Tyr646His)

Gene: DSC2 (desmocollin 2; minus strand). Cytogenetic location: 18q12.1.
Variant type: single nucleotide variant.
Coding change: c.1936T>C on transcript NM_024422.6 (MANE Select); coding-DNA position 1936, T replaced by C.
Protein change: p.Tyr646His; replaces tyrosine 646 with histidine.
Molecular consequence: missense variant.
Genome position (GRCh38, 1-based): chr18:31,071,794, A>G on the plus strand (T>C on the coding strand, the complement: DSC2 is on the minus strand). VCF-style: chr18-31071794-A-G. GRCh37 (hg19) VCF-style: chr18-28651760-A-G.
Other names: c.1507T>C, p.Tyr503His (NM_001406506.1, NM_001406507.1); c.1936T>C, p.Tyr646His (NM_004949.5); short protein forms Y646H, Y503H.
Identifiers: ClinVar variation 3273786 (VCV003273786.1).